The following is an entry in ClinVar:

NM_001374353.1(GLI2):c.653T>C (p.Phe218Ser)

Gene: GLI2 (GLI family zinc finger 2; plus strand). Cytogenetic location: 2q14.2.
Variant type: single nucleotide variant.
Coding change: c.653T>C on transcript NM_001374353.1 (MANE Select); coding-DNA position 653, T replaced by C.
Protein change: p.Phe218Ser; replaces phenylalanine 218 with serine.
Molecular consequence: missense variant.
Genome position (GRCh38, 1-based): chr2:120,968,723, T>C. VCF-style: chr2-120968723-T-C. GRCh37 (hg19) VCF-style: chr2-121726299-T-C.
Other names: c.278T>C, p.Phe93Ser (NM_001374354.1); c.653T>C, p.Phe218Ser (NM_001371271.1, NM_005270.5); short protein forms F218S, F93S.
Identifiers: ClinVar variation 3361014 (VCV003361014.1).

ClinVar aggregate classification (germline): Uncertain significance (1 of 4 stars; one submission).

Submission:

GeneDx
Classification: Uncertain significance. Last evaluated: 2023-07-13. Review status: criteria provided, single submitter. Criteria: GeneDx Variant Classification Process June 2021. Collection method: clinical testing. Allele origin: germline. Affected: yes.
Comment: Not observed at significant frequency in large population cohorts (gnomAD); In silico analysis supports that this missense variant has a deleterious effect on protein structure/function; Has not been previously published as pathogenic or benign to our knowledge